The following is an entry in ClinVar:

ClinVar aggregate classification (germline): Uncertain significance. Review status: criteria provided, multiple submitters, no conflicts (2 of 4 stars). 2 submissions from 2 submitters: Uncertain significance (2). Last evaluated 2025-05-08.

Conditions:
Hereditary cancer-predisposing syndrome. Also called: Hereditary Cancer Syndrome; Tumor predisposition; Neoplastic Syndromes, Hereditary; Hereditary neoplastic syndrome. Identifiers: Orphanet 140162, MedGen C0027672, MeSH D009386, MONDO:0015356.

Submissions (2):

Ambry Genetics
Classification: Uncertain significance for Hereditary cancer-predisposing syndrome. Last evaluated: 2025-05-08. Review status: criteria provided, single submitter. Criteria: Ambry Variant Classification Scheme 2023. Collection method: clinical testing. Allele origin: germline.
Comment: The p.K2012E variant (also known as c.6034A>G), located in coding exon 44 of the POLE gene, results from an A to G substitution at nucleotide position 6034. The lysine at codon 2012 is replaced by glutamic acid, an amino acid with similar properties. This amino acid position is conserved. In addition, this alteration is predicted to be tolerated by in silico analysis. Based on the available evidence, the clinical significance of this variant remains unclear.

Labcorp Genetics (formerly Invitae), Labcorp
Classification: Uncertain significance. Last evaluated: 2020-03-03. Review status: criteria provided, single submitter. Criteria: Invitae Variant Classification Sherloc (09022015). Collection method: clinical testing. Allele origin: germline.
Comment: In summary, the available evidence is currently insufficient to determine the role of this variant in disease. Therefore, it has been classified as a Variant of Uncertain Significance. Algorithms developed to predict the effect of missense changes on protein structure and function are either unavailable or do not agree on the potential impact of this missense change (SIFT: "Deleterious"; PolyPhen-2: "Benign"; Align-GVGD: "Class C0"). This variant has not been reported in the literature in individuals with POLE-related conditions. This variant is not present in population databases (ExAC no frequency). This sequence change replaces lysine with glutamic acid at codon 2012 of the POLE protein (p.Lys2012Glu). The lysine residue is moderately conserved and there is a small physicochemical difference between lysine and glutamic acid.

NM_006231.4(POLE):c.6034A>G (p.Lys2012Glu)

Gene: POLE (DNA polymerase epsilon, catalytic subunit; minus strand). Cytogenetic location: 12q24.33.
Variant type: single nucleotide variant.
Coding change: c.6034A>G on transcript NM_006231.4 (MANE Select); coding-DNA position 6034, A replaced by G.
Protein change: p.Lys2012Glu; replaces lysine 2012 with glutamic acid.
Molecular consequence: missense variant.
Genome position (GRCh38, 1-based): chr12:132,632,766, T>C on the plus strand (A>G on the coding strand, the complement: POLE is on the minus strand). VCF-style: chr12-132632766-T-C. GRCh37 (hg19) VCF-style: chr12-133209352-T-C.
Other names: short protein forms K2012E.
Identifiers: ClinVar variation 1015558 (VCV001015558.12), dbSNP rs2041961000, ClinGen allele CA387370821.
Genomic context (GRCh38, chr12:132,632,766, plus strand): 5'-GGCTGGCCCCCCTCCTCCTCACGGGGGTGCTCCCTGGAGCACTGCGCCTCAGCCCGTCCT[T>C]CATGCAGTGGTACACGGCCACGATGTACGCTGTGGAGAGGCACACACACCACAGGCCCTG-3'
Protein context (NP_006222.2, residues 2002-2022): AYIVAVYHCM[Lys2012Glu]DGLRRSAPGS